The following is an entry in ClinVar:

ClinVar aggregate classification (germline): Uncertain significance. Review status: criteria provided, multiple submitters, no conflicts (2 of 4 stars). 3 submissions from 3 submitters: Uncertain significance (2). 1 of the submissions does not count toward it. Last evaluated 2025-06-04.

Conditions:
Cardiomyopathy (CMYO). Also called: Cardiomyopathies. Identifiers: Orphanet 167848, MedGen C0878544, MONDO:0004994, HP:0001638. Inheritance: Various modes of inheritance.
Hyaline body myopathy. Identifiers: Orphanet 53698, MedGen CN253826, MONDO:0018889.

Submissions (3):

GeneDx
Classification: Uncertain significance. Last evaluated: 2025-06-04. Review status: criteria provided, single submitter. Criteria: GeneDx Variant Classification Process June 2021. Collection method: clinical testing. Allele origin: germline. Affected: yes.
Comment: Also reported to segregate with hypertrophic cardiomyopathy in a Chinese family; however, this family also harbored an additional MYH7 variant (PMID: 34330286); In silico analysis supports that this missense variant has a deleterious effect on protein structure/function; Not observed at significant frequency in large population cohorts (gnomAD); This variant is associated with the following publications: (PMID: 31068177, 34330286, 27532257, 29300372)

CHEO Genetics Diagnostic Laboratory, Children's Hospital of Eastern Ontario
Classification: Uncertain significance for Cardiomyopathy. Last evaluated: 2018-03-27. Review status: criteria provided, single submitter. Criteria: ACMG Guidelines, 2015. Collection method: clinical testing. Allele origin: germline.

Dr. Alfred Bastarche Laboratory, Dr. Georges L. Dumont University Hospital Centre
Classification: Likely pathogenic for Hyaline body myopathy. Last evaluated: 2018-09-04. Review status: no assertion criteria provided. Collection method: clinical testing. Allele origin: unknown. Inheritance: Autosomal dominant inheritance. Affected: yes. Observed: 1 heterozygote. Not counted in ClinVar's aggregate classification.

NM_000257.4(MYH7):c.1370T>G (p.Ile457Arg)

Gene: MYH7 (myosin heavy chain 7; minus strand). Cytogenetic location: 14q11.2.
Variant type: single nucleotide variant.
Coding change: c.1370T>G on transcript NM_000257.4 (MANE Select); coding-DNA position 1370, T replaced by G.
Protein change: p.Ile457Arg; replaces isoleucine 457 with arginine.
Molecular consequence: missense variant.
Genome position (GRCh38, 1-based): chr14:23,428,992, A>C on the plus strand (T>G on the coding strand, the complement: MYH7 is on the minus strand). VCF-style: chr14-23428992-A-C. GRCh37 (hg19) VCF-style: chr14-23898201-A-C.
Other names: short protein forms I457R.
Identifiers: ClinVar variation 560881 (VCV000560881.7), dbSNP rs397516103, ClinGen allele CA389050766.